The following is an entry in ClinVar:

NM_015450.3(POT1):c.1151A>G (p.Lys384Arg)

Gene: POT1 (protection of telomeres 1; minus strand). Cytogenetic location: 7q31.33.
Variant type: single nucleotide variant.
Coding change: c.1151A>G on transcript NM_015450.3 (MANE Select); coding-DNA position 1151, A replaced by G.
Protein change: p.Lys384Arg; replaces lysine 384 with arginine.
Molecular consequence: missense variant. On other transcripts: non-coding transcript variant (3).
Genome position (GRCh38, 1-based): chr7:124,842,819, T>C on the plus strand (A>G on the coding strand, the complement: POT1 is on the minus strand). VCF-style: chr7-124842819-T-C. GRCh37 (hg19) VCF-style: chr7-124482873-T-C.
Other names: c.758A>G, p.Lys253Arg (NM_001042594.2); c.1151A>G (NM_015450.2); short protein forms K253R, K384R.
Identifiers: ClinVar variation 2846190 (VCV002846190.4), dbSNP rs1314640017, ClinGen allele CA369068114.

ClinVar aggregate classification (germline): Uncertain significance. Review status: criteria provided, multiple submitters, no conflicts (2 of 4 stars). 2 submissions from 2 submitters: Uncertain significance (2). Last evaluated 2025-04-21.

Conditions:
Tumor predisposition syndrome 3 (TPDS3). Also called: LONG TELOMERE SYNDROME, POT1-RELATED; POT1 Tumor Predisposition; Melanoma, cutaneous malignant, susceptibility to, 10; Glioma susceptibility 9. Identifiers: Orphanet 618, MedGen C4014476, MONDO:0014368, OMIM 615848.
Hereditary cancer-predisposing syndrome. Also called: Tumor predisposition; Hereditary neoplastic syndrome; Hereditary Cancer Syndrome; Neoplastic Syndromes, Hereditary. Identifiers: Orphanet 140162, MedGen C0027672, MeSH D009386, MONDO:0015356.

Allele frequency attached by ClinVar (database versions not stated): gnomAD exomes below 0.00001.
gnomAD v4.1: 5 of 1,599,390 alleles (0.00031%); highest among the groups gnomAD compares: Non-Finnish European, 0.00043%; no homozygotes.

Submissions (2):

Ambry Genetics
Classification: Uncertain significance for Hereditary cancer-predisposing syndrome. Last evaluated: 2025-04-21. Review status: criteria provided, single submitter. Criteria: Ambry Variant Classification Scheme 2023. Collection method: clinical testing. Allele origin: germline.
Comment: The p.K384R variant (also known as c.1151A>G), located in coding exon 9 of the POT1 gene, results from an A to G substitution at nucleotide position 1151. The lysine at codon 384 is replaced by arginine, an amino acid with highly similar properties. This amino acid position is conserved. In addition, this alteration is predicted to be tolerated by in silico analysis. Based on the available evidence, the clinical significance of this variant remains unclear.

Labcorp Genetics (formerly Invitae), Labcorp
Classification: Uncertain significance for Tumor predisposition syndrome 3. Last evaluated: 2024-12-29. Review status: criteria provided, single submitter. Criteria: Invitae Variant Classification Sherloc (09022015). Collection method: clinical testing. Allele origin: germline.
Comment: This sequence change replaces lysine, which is basic and polar, with arginine, which is basic and polar, at codon 384 of the POT1 protein (p.Lys384Arg). This variant is present in population databases (no rsID available, gnomAD 0.0009%). This variant has not been reported in the literature in individuals affected with POT1-related conditions. ClinVar contains an entry for this variant (Variation ID: 2846190). Invitae Evidence Modeling of protein sequence and biophysical properties (such as structural, functional, and spatial information, amino acid conservation, physicochemical variation, residue mobility, and thermodynamic stability) indicates that this missense variant is not expected to disrupt POT1 protein function with a negative predictive value of 80%. In summary, the available evidence is currently insufficient to determine the role of this variant in disease. Therefore, it has been classified as a Variant of Uncertain Significance.